The following is an entry in ClinVar:

NM_000642.3(AGL):c.4327T>C (p.Phe1443Leu)

Gene: AGL (amylo-alpha-1,6-glucosidase and 4-alpha-glucanotransferase; plus strand). Cytogenetic location: 1p21.2.
Variant type: single nucleotide variant.
Coding change: c.4327T>C on transcript NM_000642.3 (MANE Select); coding-DNA position 4327, T replaced by C.
Protein change: p.Phe1443Leu; replaces phenylalanine 1443 with leucine.
Molecular consequence: missense variant.
Genome position (GRCh38, 1-based): chr1:99,916,477, T>C. VCF-style: chr1-99916477-T-C. GRCh37 (hg19) VCF-style: chr1-100382033-T-C.
Other names: c.4327T>C, p.Phe1443Leu (NM_000028.3, NM_000643.3, NM_000644.3 and 1 more transcripts); c.4279T>C, p.Phe1427Leu (NM_000646.3); c.4306T>C, p.Phe1436Leu (NM_001425326.1); c.4126T>C, p.Phe1376Leu (NM_001425327.1); c.4123T>C, p.Phe1375Leu (NM_001425328.1); c.3988T>C, p.Phe1330Leu (NM_001425329.1); c.3949T>C, p.Phe1317Leu (NM_001425332.1); short protein forms F1443L, F1427L, F1317L, F1330L, F1375L, F1376L, F1436L.
Identifiers: ClinVar variation 2171029 (VCV002171029.1), dbSNP rs760127227, ClinGen allele CA967400.
Genomic context (GRCh38, chr1:99,916,477, plus strand): 5'-GTTTACTGTGGAATTTATGACAATGCATTAGACAATGACAACTACAATCTTGCTAAAGGT[T>C]TCAATTATCACCAAGGACCTGTAAGAATTTCATTTATCTTCTGAGTTTCAGTTTAAATTA-3'
Protein context (NP_000633.2, residues 1433-1453): DNDNYNLAKG[Phe1443Leu]NYHQGPEWLW

ClinVar aggregate classification (germline): Uncertain significance (1 of 4 stars; one submission).

Conditions:
Glycogen storage disease type III (GSD3). Also called: Cori disease; FORBES DISEASE. Identifiers: Orphanet 366, MedGen C0017922, MONDO:0009291, OMIM 232400.

Allele frequency attached by ClinVar (database versions not stated): gnomAD exomes below 0.00001; ExAC 0.00001.
gnomAD v4.1: 1 of 1,612,200 alleles (0.000062%); highest among the groups gnomAD compares: East Asian, 0.0022%; no homozygotes.

Submission:

Labcorp Genetics (formerly Invitae), Labcorp
Classification: Uncertain significance for Glycogen storage disease type III. Last evaluated: 2022-05-29. Review status: criteria provided, single submitter. Criteria: Invitae Variant Classification Sherloc (09022015). Collection method: clinical testing. Allele origin: germline.
Comment: This sequence change replaces phenylalanine, which is neutral and non-polar, with leucine, which is neutral and non-polar, at codon 1443 of the AGL protein (p.Phe1443Leu). This variant is present in population databases (rs760127227, gnomAD 0.01%). This variant has not been reported in the literature in individuals affected with AGL-related conditions. Algorithms developed to predict the effect of missense changes on protein structure and function are either unavailable or do not agree on the potential impact of this missense change (SIFT: "Tolerated"; PolyPhen-2: "Possibly Damaging"; Align-GVGD: "Class C0"). In summary, the available evidence is currently insufficient to determine the role of this variant in disease. Therefore, it has been classified as a Variant of Uncertain Significance.